The following is an entry in ClinVar:

ClinVar aggregate classification (germline): Uncertain significance. Review status: criteria provided, multiple submitters, no conflicts (2 of 4 stars). 2 submissions from 2 submitters: Uncertain significance (2). Last evaluated 2024-11-10.

Conditions:
Hereditary cancer-predisposing syndrome. Also called: Tumor predisposition; Hereditary neoplastic syndrome; Neoplastic Syndromes, Hereditary; Hereditary Cancer Syndrome. Identifiers: Orphanet 140162, MedGen C0027672, MeSH D009386, MONDO:0015356.
Global developmental delay - lung cysts - overgrowth - Wilms tumor syndrome. Also called: GLOBAL DEVELOPMENTAL DELAY, LUNG CYSTS, OVERGROWTH, AND WILMS TUMOR; GLOW Syndrome. Identifiers: Orphanet 404476, MedGen C4748924, MONDO:0018445, OMIM 618272.

Submissions (2):

Ambry Genetics
Classification: Uncertain significance for Hereditary cancer-predisposing syndrome. Last evaluated: 2024-11-10. Review status: criteria provided, single submitter. Criteria: Ambry Variant Classification Scheme 2023. Collection method: clinical testing. Allele origin: germline.
Comment: The p.L159W variant (also known as c.476T>G), located in coding exon 4 of the DICER1 gene, results from a T to G substitution at nucleotide position 476. The leucine at codon 159 is replaced by tryptophan, an amino acid with similar properties. This amino acid position is conserved. In addition, this alteration is predicted to be deleterious by in silico analysis. Based on the available evidence, the clinical significance of this variant remains unclear.

Baylor Genetics
Classification: Uncertain significance for Global developmental delay - lung cysts - overgrowth - Wilms tumor syndrome. Last evaluated: 2023-06-15. Review status: criteria provided, single submitter. Criteria: ACMG Guidelines, 2015. Collection method: clinical testing. Allele origin: unknown.

NM_177438.3(DICER1):c.476T>G (p.Leu159Trp)

Gene: DICER1 (dicer 1, ribonuclease III; minus strand). Cytogenetic location: 14q32.13.
Variant type: single nucleotide variant.
Coding change: c.476T>G on transcript NM_177438.3 (MANE Select); coding-DNA position 476, T replaced by G.
Protein change: p.Leu159Trp; replaces leucine 159 with tryptophan.
Molecular consequence: missense variant. On other transcripts: 5 prime UTR variant (1), non-coding transcript variant (6), intron variant (1).
Genome position (GRCh38, 1-based): chr14:95,130,155, A>C on the plus strand (T>G on the coding strand, the complement: DICER1 is on the minus strand). VCF-style: chr14-95130155-A-C. GRCh37 (hg19) VCF-style: chr14-95596492-A-C.
Other names: c.476T>G, p.Leu159Trp (NM_001195573.1, NM_001271282.3, NM_001291628.2 and 15 more transcripts); c.194T>G, p.Leu65Trp (NM_001395686.1); c.71T>G, p.Leu24Trp (NM_001395687.1, NM_001395688.1, NM_001395689.1 and 3 more transcripts); c.-1093T>G (NM_001395697.1); c.-20-72T>G (NM_001395691.1); short protein forms L159W, L24W, L65W.
Identifiers: ClinVar variation 2674824 (VCV002674824.2), dbSNP rs2543304357, ClinGen allele CA390888535.